The following is an entry in ClinVar:

ClinVar aggregate classification (germline): Uncertain significance (1 of 4 stars; one submission).

Conditions:
Recessive dystrophic epidermolysis bullosa (RDEB). Also called: Epidermolysis Bullosa Distrophica Autosomal Recessive (RDEB); Recessive DEB (RDEB); DYSTROPHIC EPIDERMOLYSIS BULLOSA, AUTOSOMAL RECESSIVE; EPIDERMOLYSIS BULLOSA DYSTROPHICA, HALLOPEAU-SIEMENS TYPE; severe generalized recessive dystrophic epidermolysis bullosa; epidermolysis bullosa dystrophica, autosomal recessive. Identifiers: Orphanet 79408, Orphanet 79409, MedGen C0079474, MONDO:0009179, OMIM 226600.

gnomAD v4.1: 1 of 1,613,618 alleles (0.000062%); no homozygotes.

Submission:

Myriad Genetics, Inc.
Classification: Uncertain significance for Recessive dystrophic epidermolysis bullosa. Last evaluated: 2026-07-23. Review status: criteria provided, single submitter. Criteria: Myriad Autosomal Dominant, Autosomal Recessive and X-Linked Classification Criteria (2023). Collection method: clinical testing. Allele origin: unknown.
Comment: NM_000094.3(COL7A1):c.2366G>T(S789I) is a missense variant classified as a variant of uncertain significance in the context of dystrophic epidermolysis bullosa. S789I has been observed in cases with relevant disease (PMID: 36430820). Relevant functional assessments of this variant are not available in the literature. S789I has not been observed in referenced population frequency databases. In summary, there is insufficient evidence to classify NM_000094.3(COL7A1):c.2366G>T(S789I) as pathogenic or benign. Please note: this variant was assessed in the context of healthy population screening.

Literature cited by the submitters: PubMed 36430820.

NM_000094.4(COL7A1):c.2366G>T (p.Ser789Ile)

Gene: COL7A1 (collagen type VII alpha 1 chain; minus strand). Cytogenetic location: 3p21.31.
Variant type: single nucleotide variant.
Coding change: c.2366G>T on transcript NM_000094.4 (MANE Select); coding-DNA position 2366, G replaced by T.
Protein change: p.Ser789Ile; replaces serine 789 with isoleucine.
Molecular consequence: missense variant.
Genome position (GRCh38, 1-based): chr3:48,588,944, C>A on the plus strand (G>T on the coding strand, the complement: COL7A1 is on the minus strand). VCF-style: chr3-48588944-C-A. GRCh37 (hg19) VCF-style: chr3-48626377-C-A.
Other names: short protein forms S789I.
Identifiers: ClinVar variation 5004709 (VCV005004709.1).